The following is an entry in ClinVar:

NM_003128.3(SPTBN1):c.4426G>A (p.Glu1476Lys)

Gene: SPTBN1 (spectrin beta, non-erythrocytic 1; plus strand). Cytogenetic location: 2p16.2.
Variant type: single nucleotide variant.
Coding change: c.4426G>A on transcript NM_003128.3 (MANE Select); coding-DNA position 4426, G replaced by A.
Protein change: p.Glu1476Lys; replaces glutamic acid 1476 with lysine.
Molecular consequence: missense variant.
Genome position (GRCh38, 1-based): chr2:54,645,385, G>A. VCF-style: chr2-54645385-G-A. GRCh37 (hg19) VCF-style: chr2-54872522-G-A.
Other names: c.4387G>A, p.Glu1463Lys (NM_178313.3); short protein forms E1463K, E1476K.
Identifiers: ClinVar variation 5020806 (VCV005020806.1).

ClinVar aggregate classification (germline): Uncertain significance (1 of 4 stars; one submission).

gnomAD v4.1: 19 of 1,614,078 alleles (0.0012%); highest among the groups gnomAD compares: Admixed American, 0.005%; no homozygotes.

Submission:

Dasa
Classification: Uncertain significance. Last evaluated: 2025-11-07. Review status: criteria provided, single submitter. Criteria: DASA Assertion Criteria. Collection method: clinical testing. Allele origin: germline.
Comment: NM_003128.3(SPTBN1):c.4426G>A (p.Glu1476Lys) is a missense variant that results in the substitution of glutamic acid with lysine. This variant is rare in population databases. Computational prediction algorithms are consistent with a benign effect. The currently available literature and clinical evidence are not sufficient to establish a definitive association between this variant and the reported condition. Therefore, this variant is classified as a variant of uncertain significance.